The following is an entry in ClinVar:

NM_170606.3(KMT2C):c.52C>T (p.Pro18Ser)

Gene: KMT2C (lysine methyltransferase 2C; minus strand). Cytogenetic location: 7q36.1.
Variant type: single nucleotide variant.
Coding change: c.52C>T on transcript NM_170606.3 (MANE Select); coding-DNA position 52, C replaced by T.
Protein change: p.Pro18Ser; replaces proline 18 with serine.
Molecular consequence: missense variant.
Genome position (GRCh38, 1-based): chr7:152,435,735, G>A on the plus strand (C>T on the coding strand, the complement: KMT2C is on the minus strand). VCF-style: chr7-152435735-G-A. GRCh37 (hg19) VCF-style: chr7-152132820-G-A.
Other names: short protein forms P18S.
Identifiers: ClinVar variation 1708957 (VCV001708957.15), dbSNP rs1323931123, ClinGen allele CA370104514.
Genomic context (GRCh38, chr7:152,435,735, plus strand): 5'-CCCGAGGTCTTTTGTCTGCGGCTGCGGGGCTCGGGGCCGGGGCTCCAGGCTCCTCGGGGG[G>A]TGGTGGCGGCGGCTGCGGCTGCTCCACGCTCTTGTCCTCCTCCGACGACATCCTAGTCAC-3'
Protein context (NP_733751.2, residues 8-28): SVEQPQPPPP[Pro18Ser]PEEPGAPAPS

ClinVar aggregate classification (germline): Uncertain significance. Review status: criteria provided, multiple submitters, no conflicts (2 of 4 stars). 2 submissions from 2 submitters: Uncertain significance (2). Last evaluated 2024-12-01.

Conditions:
Kleefstra syndrome 2 (KLEFS2). Identifiers: MedGen C4540395, MONDO:0054701, OMIM 617768.

gnomAD v4.1: 29 of 1,528,596 alleles (0.0019%); highest among the groups gnomAD compares: Non-Finnish European, 0.0021%; no homozygotes.

Submissions (2):

CeGaT Center for Human Genetics Tuebingen
Classification: Uncertain significance. Last evaluated: 2024-12-01. Review status: criteria provided, single submitter. Criteria: CeGaT Center For Human Genetics Tuebingen Variant Classification Criteria Version 2. Collection method: clinical testing. Allele origin: germline. Affected: yes. Observed: 1 variant allele.
Comment: KMT2C: PM2

MGZ Medical Genetics Center
Classification: Uncertain significance for Kleefstra syndrome 2. Last evaluated: 2021-09-02. Review status: criteria provided, single submitter. Criteria: ACMG Guidelines, 2015. Collection method: clinical testing. Allele origin: germline. Affected: yes. Observed: 1 variant allele.
Comment: ACMG criteria applied: PM2_SUP